The following is an entry in ClinVar:

NM_153704.6(TMEM67):c.1209T>G (p.Asp403Glu)

Gene: TMEM67 (transmembrane protein 67; plus strand). Cytogenetic location: 8q22.1.
Variant type: single nucleotide variant.
Coding change: c.1209T>G on transcript NM_153704.6 (MANE Select); coding-DNA position 1209, T replaced by G.
Protein change: p.Asp403Glu; replaces aspartic acid 403 with glutamic acid.
Molecular consequence: missense variant. On other transcripts: non-coding transcript variant (1).
Genome position (GRCh38, 1-based): chr8:93,785,299, T>G. VCF-style: chr8-93785299-T-G. GRCh37 (hg19) VCF-style: chr8-94797527-T-G.
Other names: c.966T>G, p.Asp322Glu (NM_001142301.1); short protein forms D322E, D403E.
Identifiers: ClinVar variation 1410825 (VCV001410825.5), dbSNP rs1160691103, ClinGen allele CA371689359.

ClinVar aggregate classification (germline): Uncertain significance (1 of 4 stars; one submission).

Conditions:
Joubert syndrome. Also called: CEREBELLOPARENCHYMAL DISORDER IV; JOUBERT-BOLTSHAUSER SYNDROME; Familial aplasia of the vermis. Identifiers: Orphanet 475, MedGen C5979921, MONDO:0018772.
Meckel-Gruber syndrome. Also called: DYSENCEPHALIA SPLANCHNOCYSTICA; GRUBER SYNDROME; Dysencephalia splachnocystica. Identifiers: Orphanet 564, MedGen C0265215, MONDO:0018921.

Allele frequency attached by ClinVar (database versions not stated): gnomAD exomes 0.00001.
gnomAD v4.1: 3 of 1,605,582 alleles (0.00019%); highest among the groups gnomAD compares: Admixed American, 0.005%; no homozygotes.

Submission:

Labcorp Genetics (formerly Invitae), Labcorp
Classification: Uncertain significance for Joubert syndrome; Meckel-Gruber syndrome. Last evaluated: 2022-08-16. Review status: criteria provided, single submitter. Criteria: Invitae Variant Classification Sherloc (09022015). Collection method: clinical testing. Allele origin: germline.
Comment: This sequence change replaces aspartic acid, which is acidic and polar, with glutamic acid, which is acidic and polar, at codon 403 of the TMEM67 protein (p.Asp403Glu). This variant is present in population databases (no rsID available, gnomAD 0.006%). This variant has not been reported in the literature in individuals affected with TMEM67-related conditions. ClinVar contains an entry for this variant (Variation ID: 1410825). Advanced modeling of protein sequence and biophysical properties (such as structural, functional, and spatial information, amino acid conservation, physicochemical variation, residue mobility, and thermodynamic stability) performed at Invitae indicates that this missense variant is not expected to disrupt TMEM67 protein function. In summary, the available evidence is currently insufficient to determine the role of this variant in disease. Therefore, it has been classified as a Variant of Uncertain Significance.